The following is an entry in ClinVar:

NM_145290.4(ADGRA3):c.2850T>G (p.Tyr950Ter)

Gene: ADGRA3 (adhesion G protein-coupled receptor A3; minus strand). Cytogenetic location: 4p15.2.
Variant type: single nucleotide variant.
Coding change: c.2850T>G on transcript NM_145290.4 (MANE Select); coding-DNA position 2850, T replaced by G.
Protein change: p.Tyr950Ter; replaces tyrosine 950 with a stop codon.
Molecular consequence: nonsense.
Genome position (GRCh38, 1-based): chr4:22,388,821, A>C on the plus strand (T>G on the coding strand, the complement: ADGRA3 is on the minus strand). VCF-style: chr4-22388821-A-C. GRCh37 (hg19) VCF-style: chr4-22390444-A-C.
Other names: short protein forms Y950*.
Identifiers: ClinVar variation 1364732 (VCV001364732.6), dbSNP rs966651248, ClinGen allele CA356474711.

ClinVar aggregate classification (germline): Uncertain significance (1 of 4 stars; one submission).

Submission:

Labcorp Genetics (formerly Invitae), Labcorp
Classification: Uncertain significance. Last evaluated: 2021-06-30. Review status: criteria provided, single submitter. Criteria: Invitae Variant Classification Sherloc (09022015). Collection method: clinical testing. Allele origin: germline.
Comment: This variant is not present in population databases (ExAC no frequency). This variant has not been reported in the literature in individuals affected with ADGRA3-related conditions. Experimental studies and prediction algorithms are not available or were not evaluated, and the functional significance of this variant is currently unknown. This sequence change creates a premature translational stop signal (p.Tyr950*) in the ADGRA3 gene. While this is not anticipated to result in nonsense mediated decay, it is expected to disrupt the last 372 amino acid(s) of the ADGRA3 protein. In summary, the available evidence is currently insufficient to determine the role of this variant in disease. Therefore, it has been classified as a Variant of Uncertain Significance.